The following is an entry in ClinVar:

ClinVar aggregate classification (germline): Uncertain significance (1 of 4 stars; one submission).

Conditions:
Aortic aneurysm, familial thoracic 7 (AAT7). Also called: AORTIC DISSECTION, FAMILIAL, WITH OR WITHOUT AORTIC ANEURYSM. Identifiers: MedGen C3151077, MONDO:0013418, OMIM 613780.

gnomAD v4.1: 8 of 1,614,102 alleles (0.0005%); highest among the groups gnomAD compares: South Asian, 0.0055%; no homozygotes.

Submission:

Labcorp Genetics (formerly Invitae), Labcorp
Classification: Uncertain significance for Aortic aneurysm, familial thoracic 7. Last evaluated: 2022-02-22. Review status: criteria provided, single submitter. Criteria: Invitae Variant Classification Sherloc (09022015). Collection method: clinical testing. Allele origin: germline.
Comment: This sequence change replaces valine, which is neutral and non-polar, with leucine, which is neutral and non-polar, at codon 877 of the MYLK protein (p.Val877Leu). This variant is present in population databases (rs34542174, gnomAD 0.02%). This variant has not been reported in the literature in individuals affected with MYLK-related conditions. ClinVar contains an entry for this variant (Variation ID: 848436). Advanced modeling of protein sequence and biophysical properties (such as structural, functional, and spatial information, amino acid conservation, physicochemical variation, residue mobility, and thermodynamic stability) performed at Invitae indicates that this missense variant is not expected to disrupt MYLK protein function. In summary, the available evidence is currently insufficient to determine the role of this variant in disease. Therefore, it has been classified as a Variant of Uncertain Significance.

NM_053025.4(MYLK):c.2629G>T (p.Val877Leu)

Gene: MYLK (myosin light chain kinase; minus strand). Cytogenetic location: 3q21.1.
Variant type: single nucleotide variant.
Coding change: c.2629G>T on transcript NM_053025.4 (MANE Select); coding-DNA position 2629, G replaced by T.
Protein change: p.Val877Leu; replaces valine 877 with leucine.
Molecular consequence: missense variant.
Genome position (GRCh38, 1-based): chr3:123,700,839, C>A on the plus strand (G>T on the coding strand, the complement: MYLK is on the minus strand). VCF-style: chr3-123700839-C-A. GRCh37 (hg19) VCF-style: chr3-123419686-C-A.
Other names: c.2101G>T, p.Val701Leu (NM_001321309.2); c.2422G>T, p.Val808Leu (NM_053026.4, NM_053028.4); c.2629G>T, p.Val877Leu (NM_053027.4); short protein forms V701L, V877L, V808L.
Identifiers: ClinVar variation 848436 (VCV000848436.9), dbSNP rs34542174, ClinGen allele CA068811.